The following is an entry in ClinVar:

ClinVar aggregate classification (germline): Likely pathogenic (1 of 4 stars; one submission).

Conditions:
Junctional epidermolysis bullosa. Identifiers: Orphanet 305, MedGen C0079301, MONDO:0017612.

Submission:

Myriad Genetics, Inc.
Classification: Likely pathogenic for Junctional epidermolysis bullosa. Last evaluated: 2021-12-17. Review status: criteria provided, single submitter. Criteria: Myriad Autosomal Dominant, Autosomal Recessive and X-Linked Classification Criteria (2023). Collection method: clinical testing. Allele origin: unknown.
Comment: NM_000228.2(LAMB3):c.2166C>A(Y722*) is expected to be pathogenic in the context of junctional epidermolysis bullosa, LAMB3-related. This variant is predicted to lead to an abnormal or absent protein product due to the creation of a premature termination codon in LAMB3, a gene where loss-of-function variants are known to be pathogenic. Please note: this variant was assessed in the context of healthy population screening.

NM_000228.3(LAMB3):c.2166C>A (p.Tyr722Ter)

Gene: LAMB3 (laminin subunit beta 3; minus strand). Cytogenetic location: 1q32.2.
Variant type: single nucleotide variant.
Coding change: c.2166C>A on transcript NM_000228.3 (MANE Select); coding-DNA position 2166, C replaced by A.
Protein change: p.Tyr722Ter; replaces tyrosine 722 with a stop codon.
Molecular consequence: nonsense.
Genome position (GRCh38, 1-based): chr1:209,623,697, G>T on the plus strand (C>A on the coding strand, the complement: LAMB3 is on the minus strand). VCF-style: chr1-209623697-G-T. GRCh37 (hg19) VCF-style: chr1-209797042-G-T.
Other names: c.2166C>A, p.Tyr722Ter (NM_001017402.2, NM_001127641.1); short protein forms Y722*.
Identifiers: ClinVar variation 1726509 (VCV001726509.3), dbSNP rs552611500, ClinGen allele CA344588584.